The following is an entry in ClinVar:

ClinVar aggregate classification (germline): Benign (1 of 4 stars; one submission).

gnomAD v4.1: 343 of 1,613,886 alleles (0.021%); highest among the groups gnomAD compares: South Asian, 0.24%; 5 homozygotes.

Submission:

CeGaT Center for Human Genetics Tuebingen
Classification: Benign. Last evaluated: 2025-07-01. Review status: criteria provided, single submitter. Criteria: CeGaT Center For Human Genetics Tuebingen Variant Classification Criteria Version 2. Collection method: clinical testing. Allele origin: germline. Affected: yes. Observed: 1 variant allele.
Comment: ZFHX4: BP4, BS1, BS2

NM_024721.5(ZFHX4):c.1736G>C (p.Arg579Pro)

Gene: ZFHX4 (zinc finger homeobox 4; plus strand). Cytogenetic location: 8q21.13.
Variant type: single nucleotide variant.
Coding change: c.1736G>C on transcript NM_024721.5 (MANE Select); coding-DNA position 1736, G replaced by C.
Protein change: p.Arg579Pro; replaces arginine 579 with proline.
Molecular consequence: missense variant.
Genome position (GRCh38, 1-based): chr8:76,705,824, G>C. VCF-style: chr8-76705824-G-C. GRCh37 (hg19) VCF-style: chr8-77618059-G-C.
Other names: c.1736G>C, p.Arg579Pro (NM_001410934.1); short protein forms R579P.
Identifiers: ClinVar variation 4083983 (VCV004083983.8).